The following is an entry in ClinVar:

NM_001136157.2(OTUD5):c.1689A>G (p.Pro563=)

Gene: OTUD5 (OTU deubiquitinase 5; minus strand). Cytogenetic location: Xp11.23.
Variant type: single nucleotide variant.
Coding change: c.1689A>G on transcript NM_001136157.2 (MANE Select); coding-DNA position 1689, A replaced by G.
Protein change: p.Pro563=; no amino-acid change (proline 563 retained).
Molecular consequence: synonymous variant.
Genome position (GRCh38, 1-based): chrX:48,923,186, T>C on the plus strand (A>G on the coding strand, the complement: OTUD5 is on the minus strand). VCF-style: chrX-48923186-T-C. GRCh37 (hg19) VCF-style: chrX-48780463-T-C.
Other names: c.1689A>G, p.Pro563= (NM_001136158.2); c.1038A>G, p.Pro346= (NM_001136159.2); c.1704A>G, p.Pro568= (NM_017602.4).
Identifiers: ClinVar variation 2660489 (VCV002660489.24), dbSNP rs1557046703, ClinGen allele CA516036177.

ClinVar aggregate classification (germline): Likely benign (1 of 4 stars; one submission).

Allele frequency attached by ClinVar (database versions not stated): TOPMed 0.00001.

Submission:

CeGaT Center for Human Genetics Tuebingen
Classification: Likely benign. Last evaluated: 2022-04-01. Review status: criteria provided, single submitter. Criteria: CeGaT Center For Human Genetics Tuebingen Variant Classification Criteria Version 2. Collection method: clinical testing. Allele origin: germline. Affected: yes. Observed: 1 variant allele.
Comment: OTUD5: BP4, BP7